The following is an entry in ClinVar:

NM_005559.4(LAMA1):c.126C>T (p.Gly42=)

Gene: LAMA1 (laminin subunit alpha 1; minus strand). Cytogenetic location: 18p11.31.
Variant type: single nucleotide variant.
Coding change: c.126C>T on transcript NM_005559.4 (MANE Select); coding-DNA position 126, C replaced by T.
Protein change: p.Gly42=; no amino-acid change (glycine 42 retained).
Molecular consequence: synonymous variant.
Genome position (GRCh38, 1-based): chr18:7,080,393, G>A on the plus strand (C>T on the coding strand, the complement: LAMA1 is on the minus strand). VCF-style: chr18-7080393-G-A. GRCh37 (hg19) VCF-style: chr18-7080392-G-A.
Identifiers: ClinVar variation 1308764 (VCV001308764.28), dbSNP rs540825771, ClinGen allele CA8883408.
Genomic context (GRCh38, chr18:7,080,393, plus strand): 5'-TCGGACGGGCCGACCTGGCACATGCTCCACAAGTTTGCAGAACATCTCCGGCCCCTTCTC[G>A]CCACAGGTGGCATTGGTGCTGATGTGAGCATTGCTGGCAAGATTGAGAATGGCAGGAAAC-3'
Protein context (NP_005550.2, residues 32-52): NAHISTNATC[Gly42=]EKGPEMFCKL

ClinVar aggregate classification (germline): Conflicting classifications of pathogenicity. Review status: criteria provided, conflicting classifications (1 of 4 stars). 4 submissions from 4 submitters: Uncertain significance (2); Likely benign (2). Last evaluated 2026-03-10.

Allele frequency attached by ClinVar (database versions not stated): TOPMed 0.00002; gnomAD 0.00003; gnomAD exomes 0.00012; ExAC 0.00013; 1000 Genomes Project 30x 0.00016; 1000 Genomes Project 0.00020.
gnomAD v4.1: 118 of 1,614,226 alleles (0.0073%); highest among the groups gnomAD compares: South Asian, 0.064%; 1 homozygote.

Submissions (4):

Women's Health and Genetics/Laboratory Corporation of America, LabCorp
Classification: Uncertain significance. Last evaluated: 2026-03-10. Review status: criteria provided, single submitter. Criteria: LabCorp Variant Classification Summary - May 2015. Collection method: clinical testing. Allele origin: germline.
Comment: Variant summary: LAMA1 c.126C>T alters a conserved nucleotide resulting in a synonymous change. Several computational tools predict a significant impact on normal splicing: Four predict the variant creates a 5' donor site. However, these predictions have yet to be confirmed by functional studies. The variant allele was found at a frequency of 0.00012 in 251354 control chromosomes. This frequency is not significantly higher than estimated for disease-causing variants in LAMA1, allowing no conclusion about variant significance. To our knowledge, no occurrence of c.126C>T in individuals affected with LAMA1-related conditions and no experimental evidence demonstrating its impact on protein function have been reported. ClinVar contains an entry for this variant (Variation ID: 1308764). Based on the evidence outlined above, the variant was classified as uncertain significance.

Labcorp Genetics (formerly Invitae), Labcorp
Classification: Likely benign. Last evaluated: 2025-12-03. Review status: criteria provided, single submitter. Criteria: Invitae Variant Classification Sherloc (09022015). Collection method: clinical testing. Allele origin: germline.

CeGaT Center for Human Genetics Tuebingen
Classification: Likely benign. Last evaluated: 2024-07-01. Review status: criteria provided, single submitter. Criteria: CeGaT Center For Human Genetics Tuebingen Variant Classification Criteria Version 2. Collection method: clinical testing. Allele origin: germline. Affected: yes. Observed: 1 variant allele.
Comment: LAMA1: BP4, BP7

GeneDx
Classification: Uncertain significance. Last evaluated: 2019-10-16. Review status: criteria provided, single submitter. Criteria: GeneDx Variant Classification Process June 2021. Collection method: clinical testing. Allele origin: germline. Affected: yes.
Comment: Has not been previously published as pathogenic or benign to our knowledge; In silico analysis, which includes splice predictors and evolutionary conservation, suggests this variant may impact gene splicing. In the absence of RNA/functional studies, the actual effect of this sequence change is unknown.